The following is an entry in ClinVar:

NM_001114753.3(ENG):c.989G>T (p.Cys330Phe)

Gene: ENG (endoglin; minus strand). Cytogenetic location: 9q34.11.
Variant type: single nucleotide variant.
Coding change: c.989G>T on transcript NM_001114753.3 (MANE Select); coding-DNA position 989, G replaced by T.
Protein change: p.Cys330Phe; replaces cysteine 330 with phenylalanine.
Molecular consequence: missense variant.
Genome position (GRCh38, 1-based): chr9:127,824,802, C>A on the plus strand (G>T on the coding strand, the complement: ENG is on the minus strand). VCF-style: chr9-127824802-C-A. GRCh37 (hg19) VCF-style: chr9-130587081-C-A.
Other names: c.989G>T, p.Cys330Phe (NM_000118.4, NM_001406715.1); c.443G>T, p.Cys148Phe (NM_001278138.2); short protein forms C148F, C330F.
Identifiers: ClinVar variation 1970199 (VCV001970199.5), dbSNP rs2539072632, ClinGen allele CA374981865.

ClinVar aggregate classification (germline): Uncertain significance (1 of 4 stars; one submission).

Conditions:
Hereditary hemorrhagic telangiectasia (HHT). Also called: ORW DISEASE; Osler Weber Rendu syndrome; OSLER-RENDU-WEBER DISEASE; Osler hemorrhagic telangiectasia syndrome. Identifiers: Orphanet 774, MedGen C0039445, MONDO:0019180. Disease mechanism: loss of function.

Submission:

Labcorp Genetics (formerly Invitae), Labcorp
Classification: Uncertain significance for Hereditary hemorrhagic telangiectasia. Last evaluated: 2022-09-30. Review status: criteria provided, single submitter. Criteria: Invitae Variant Classification Sherloc (09022015). Collection method: clinical testing. Allele origin: germline.
Comment: This variant is not present in population databases (gnomAD no frequency). In summary, the available evidence is currently insufficient to determine the role of this variant in disease. Therefore, it has been classified as a Variant of Uncertain Significance. Algorithms developed to predict the effect of missense changes on protein structure and function are either unavailable or do not agree on the potential impact of this missense change (SIFT: "Tolerated"; PolyPhen-2: "Probably Damaging"; Align-GVGD: "Class C0"). This variant has not been reported in the literature in individuals affected with ENG-related conditions. This sequence change replaces cysteine, which is neutral and slightly polar, with phenylalanine, which is neutral and non-polar, at codon 330 of the ENG protein (p.Cys330Phe).